The following is an entry in ClinVar:

NM_005076.5(CNTN2):c.2273_2274delinsAT (p.Trp758Tyr)

Gene: CNTN2 (contactin 2; plus strand). Cytogenetic location: 1q32.1.
Variant type: Indel.
Coding change: c.2273_2274delinsAT on transcript NM_005076.5 (MANE Select); coding-DNA positions 2273 to 2274, GG replaced by AT.
Protein change: p.Trp758Tyr; replaces tryptophan 758 with tyrosine.
Molecular consequence: missense variant. On other transcripts: non-coding transcript variant (1).
Genome position (GRCh38, 1-based): chr1:205,069,903-205,069,904, GG replaced by AT. VCF-style: chr1-205069903-GG-AT. GRCh37 (hg19) VCF-style: chr1-205039031-GG-AT.
Other names: c.2273_2274delinsAT (NM_005076.3); c.2273_2274delinsAT, p.Trp758Tyr (NM_001346083.2); short protein forms W758Y.
Identifiers: ClinVar variation 423039 (VCV000423039.8), dbSNP rs1064796187, ClinGen allele CA16617044.

ClinVar aggregate classification (germline): Uncertain significance. Review status: criteria provided, multiple submitters, no conflicts (2 of 4 stars). 2 submissions from 2 submitters: Uncertain significance (2). Last evaluated 2024-10-15.

Conditions:
Epilepsy, familial adult myoclonic, 5 (EPEO5). Also called: CORTICAL MYOCLONIC TREMOR WITH EPILEPSY, FAMILIAL, 5. Identifiers: Orphanet 86814, MedGen C3809374, MONDO:0014167, OMIM 615400.

Submissions (2):

Labcorp Genetics (formerly Invitae), Labcorp
Classification: Uncertain significance for Epilepsy, familial adult myoclonic, 5. Last evaluated: 2024-10-15. Review status: criteria provided, single submitter. Criteria: Invitae Variant Classification Sherloc (09022015). Collection method: clinical testing. Allele origin: germline.
Comment: This sequence change replaces tryptophan, which is neutral and slightly polar, with tyrosine, which is neutral and polar, at codon 758 of the CNTN2 protein (p.Trp758Tyr). This variant is present in population databases (no rsID available, gnomAD 0.02%). This variant has not been reported in the literature in individuals affected with CNTN2-related conditions. ClinVar contains an entry for this variant (Variation ID: 423039). An algorithm developed to predict the effect of missense changes on protein structure and function (PolyPhen-2) suggests that this variant is likely to be disruptive. In summary, the available evidence is currently insufficient to determine the role of this variant in disease. Therefore, it has been classified as a Variant of Uncertain Significance.

GeneDx
Classification: Uncertain significance. Last evaluated: 2017-01-04. Review status: criteria provided, single submitter. Criteria: GeneDx Variant Classification (06012015). Collection method: clinical testing. Allele origin: germline. Affected: yes.
Comment: The c.2273_2274delGGinsAT variant in the CNTN2 gene has not been reported previously as a pathogenic variant, nor as a benign variant, to our knowledge. The c.2273_2274delGGinsAT variant results in the replacement of the normal Tryptophan residue at position 758 with a Tyrosine residue, denoted p. Trp758Tyr. The c.2273_2274delGGinsAT variant was not observed in approximately 6500 individuals of European and African American ancestry in the NHLBI Exome Sequencing Project, indicating it is not a common benign variant in these populations. The c.2273_2274delGGinsAT variant is a non-conservative amino acid substitution, which is likely to impact secondary protein structure as these residues differ in polarity, charge, size and/or other properties. This substitution occurs at a position that is conserved across species and in silico analysis predicts this variant is probably damaging to the protein structure/function. We interpret c.2273_2274delGGinsAT as a variant of uncertain significance.